The following is an entry in ClinVar:

ClinVar aggregate classification (germline): Uncertain significance. Review status: criteria provided, multiple submitters, no conflicts (2 of 4 stars). 2 submissions from 2 submitters: Uncertain significance (2). Last evaluated 2025-07-22.

Allele frequency attached by ClinVar (database versions not stated): gnomAD 0.00001; gnomAD exomes 0.00001; TOPMed 0.00001; ExAC 0.00005.
gnomAD v4.1: 15 of 1,555,472 alleles (0.00096%); highest among the groups gnomAD compares: Non-Finnish European, 0.00035%; no homozygotes.

Submissions (2):

Labcorp Genetics (formerly Invitae), Labcorp
Classification: Uncertain significance. Last evaluated: 2025-07-22. Review status: criteria provided, single submitter. Criteria: Invitae Variant Classification Sherloc (09022015). Collection method: clinical testing. Allele origin: germline.
Comment: This sequence change replaces methionine, which is neutral and non-polar, with leucine, which is neutral and non-polar, at codon 410 of the IMPDH1 protein (p.Met410Leu). This variant is present in population databases (rs759859452, gnomAD 0.01%). This variant has not been reported in the literature in individuals affected with IMPDH1-related conditions. ClinVar contains an entry for this variant (Variation ID: 1023908). An algorithm developed to predict the effect of missense changes on protein structure and function (PolyPhen-2) suggests that this variant is likely to be tolerated. In summary, the available evidence is currently insufficient to determine the role of this variant in disease. Therefore, it has been classified as a Variant of Uncertain Significance.

Blueprint Genetics
Classification: Uncertain significance. Last evaluated: 2021-07-21. Review status: criteria provided, single submitter. Criteria: ACMG Guidelines, 2015. Collection method: clinical testing. Allele origin: germline.

NM_000883.4(IMPDH1):c.1228A>C (p.Met410Leu)

Gene: IMPDH1 (inosine monophosphate dehydrogenase 1; minus strand). Cytogenetic location: 7q32.1.
Variant type: single nucleotide variant.
Coding change: c.1228A>C on transcript NM_000883.4 (MANE Select); coding-DNA position 1228, A replaced by C.
Protein change: p.Met410Leu; replaces methionine 410 with leucine.
Molecular consequence: missense variant.
Genome position (GRCh38, 1-based): chr7:128,396,633, T>G on the plus strand (A>C on the coding strand, the complement: IMPDH1 is on the minus strand). VCF-style: chr7-128396633-T-G. GRCh37 (hg19) VCF-style: chr7-128036687-T-G.
Other names: c.1198A>C, p.Met400Leu (NM_001102605.2); c.973A>C, p.Met325Leu (NM_001142573.2); c.958A>C, p.Met320Leu (NM_001142574.2); c.898A>C, p.Met300Leu (NM_001142575.2); c.1129A>C, p.Met377Leu (NM_001142576.2); c.1021A>C, p.Met341Leu (NM_001304521.2); c.1120A>C, p.Met374Leu (NM_183243.3); short protein forms M300L, M320L, M325L, M341L, M374L, M377L, M400L, M410L.
Identifiers: ClinVar variation 1023908 (VCV001023908.11), dbSNP rs759859452, ClinGen allele CA4470897.